The following is an entry in ClinVar:

NM_000132.4(F8):c.7036G>A (p.Glu2346Lys)

Gene: F8 (coagulation factor VIII; minus strand). Cytogenetic location: Xq28.
Variant type: single nucleotide variant.
Coding change: c.7036G>A on transcript NM_000132.4 (MANE Select); coding-DNA position 7036, G replaced by A.
Protein change: p.Glu2346Lys; replaces glutamic acid 2346 with lysine.
Molecular consequence: missense variant.
Genome position (GRCh38, 1-based): chrX:154,837,617, C>T on the plus strand (G>A on the coding strand, the complement: F8 is on the minus strand). VCF-style: chrX-154837617-C-T. GRCh37 (hg19) VCF-style: chrX-154065892-C-T.
Other names: c.631G>A, p.Glu211Lys (NM_019863.3); short protein forms E211K, E2346K.
Identifiers: ClinVar variation 3336285 (VCV003336285.1).

ClinVar aggregate classification (germline): Uncertain significance (1 of 4 stars; one submission).

gnomAD v4.1: 30 of 1,201,056 alleles (0.0025%); highest among the groups gnomAD compares: Non-Finnish European, 0.0031%; no homozygotes.

Submission:

Women's Health and Genetics/Laboratory Corporation of America, LabCorp
Classification: Uncertain significance. Last evaluated: 2024-05-29. Review status: criteria provided, single submitter. Criteria: LabCorp Variant Classification Summary - May 2015. Collection method: clinical testing. Allele origin: germline.
Comment: Variant summary: F8 c.7036G>A (p.Glu2346Lys) results in a conservative amino acid change in the encoded protein sequence. Four of five in-silico tools predict a benign effect of the variant on protein function. The variant allele was found at a frequency of 3.7e-05 in 162054 control chromosomes, predominantly at a frequency of 8.6e-05 within the Non-Finnish European subpopulation in the gnomAD database. The available data on variant occurrences in the general population are insufficient to allow any conclusion about variant significance. To our knowledge, no occurrence of c.7036G>A in individuals affected with Factor VIII Deficiency (Hemophilia A) and no experimental evidence demonstrating its impact on protein function have been reported. No submitters have cited clinical-significance assessments for this variant to ClinVar. Based on the evidence outlined above, the variant was classified as uncertain significance.